The following is an entry in ClinVar:

ClinVar aggregate classification (germline): Uncertain significance (1 of 4 stars; one submission).

Conditions:
LAMA2-related muscular dystrophy (LAMA2-RD). Also called: Laminin alpha 2-related dystrophy. Identifiers: MedGen C5679788, MONDO:0100228.

Allele frequency attached by ClinVar (database versions not stated): gnomAD exomes below 0.00001.
gnomAD v4.1: 1 of 1,608,592 alleles (0.000062%); highest among the groups gnomAD compares: South Asian, 0.0011%; no homozygotes.

Submission:

Labcorp Genetics (formerly Invitae), Labcorp
Classification: Uncertain significance for LAMA2-related muscular dystrophy. Last evaluated: 2021-01-08. Review status: criteria provided, single submitter. Criteria: Invitae Variant Classification Sherloc (09022015). Collection method: clinical testing. Allele origin: germline.
Comment: In summary, the available evidence is currently insufficient to determine the role of this variant in disease. Therefore, it has been classified as a Variant of Uncertain Significance. Advanced modeling of protein sequence and biophysical properties (such as structural, functional, and spatial information, amino acid conservation, physicochemical variation, residue mobility, and thermodynamic stability) performed at Invitae indicates that this missense variant is not expected to disrupt LAMA2 protein function. This sequence change replaces isoleucine with threonine at codon 103 of the LAMA2 protein (p.Ile103Thr). The isoleucine residue is moderately conserved and there is a moderate physicochemical difference between isoleucine and threonine. This variant is not present in population databases (ExAC no frequency). This variant has not been reported in the literature in individuals with LAMA2-related conditions.

NM_000426.4(LAMA2):c.308T>C (p.Ile103Thr)

Gene: LAMA2 (laminin subunit alpha 2; plus strand). Cytogenetic location: 6q22.33.
Variant type: single nucleotide variant.
Coding change: c.308T>C on transcript NM_000426.4 (MANE Select); coding-DNA position 308, T replaced by C.
Protein change: p.Ile103Thr; replaces isoleucine 103 with threonine.
Molecular consequence: missense variant.
Genome position (GRCh38, 1-based): chr6:129,059,808, T>C. VCF-style: chr6-129059808-T-C. GRCh37 (hg19) VCF-style: chr6-129380953-T-C.
Other names: c.308T>C, p.Ile103Thr (NM_001079823.2); short protein forms I103T.
Identifiers: ClinVar variation 1501068 (VCV001501068.8), dbSNP rs2114795462, ClinGen allele CA365828821.
Genomic context (GRCh38, chr6:129,059,808, plus strand): 5'-TCTTCTTCCTTTCATATGATGCTGCTAACTCAATAGAGAGACACCCGATTACAAATGCTA[T>C]TGATGGAAAGAACACTTGGTGGCAGAGTCCCAGTATTAAGAATGGAATCGAATACCATTA-3'
Protein context (NP_000417.3, residues 93-113): PNQRHPITNA[Ile103Thr]DGKNTWWQSP